The following is an entry in ClinVar:

NM_007294.4(BRCA1):c.5047dup (p.Glu1683fs)

Gene: BRCA1 (BRCA1 DNA repair associated; minus strand). Cytogenetic location: 17q21.31.
Variant type: Duplication.
Coding change: c.5047dup on transcript NM_007294.4 (MANE Select); coding-DNA position 5047, one base duplicated (G; older notation c.5047dupG).
Protein change: p.Glu1683fs; shifts the reading frame from glutamic acid 1683.
Molecular consequence: frameshift variant. On other transcripts: intron variant (1).
Genome position (GRCh38, 1-based): chr17:43,067,635, C duplicated on the plus strand (G on the coding strand, the reverse complement: BRCA1 is on the minus strand). VCF-style (leftmost placement, unchanged base first): chr17-43067634-T-TC. GRCh37 (hg19) VCF-style: chr17-41219651-T-TC.
Other names: c.4711dup, p.Glu1571fs (NM_001407953.1, NM_001407954.1, NM_001407955.1 and 3 more transcripts); c.4708dup, p.Glu1570fs (NM_001407956.1, NM_001407957.1, NM_001407958.1); c.4666dup, p.Glu1556fs (NM_001407959.1); c.4663dup, p.Glu1555fs (NM_001407960.1, NM_001407962.1); c.4660dup, p.Glu1554fs (NM_001407963.1); c.4585dup, p.Glu1529fs (NM_001407964.1); c.4540dup, p.Glu1514fs (NM_001407965.1); c.4159dup, p.Glu1387fs (NM_001407966.1); and 71 more; short protein forms E1386fs, E1387fs, E1514fs, E1529fs, E1554fs, E1555fs, E1556fs, E1570fs.
Identifiers: ClinVar variation 4539181 (VCV004539181.2).

ClinVar aggregate classification (germline): Pathogenic. Review status: criteria provided, multiple submitters, no conflicts (2 of 4 stars). 2 submissions from 2 submitters: Pathogenic (2). Last evaluated 2026-06-23.

Conditions:
Familial cancer of breast. Also called: BREAST CANCER, FAMILIAL; Hereditary breast cancer; hereditary breast carcinoma. Identifiers: Orphanet 227535, MedGen C0346153, MONDO:0016419, OMIM 114480. Disease mechanism: loss of function.

Submissions (2):

Department of Clinical Genetics, Copenhagen University Hospital, Rigshospitalet
Classification: Pathogenic for Familial cancer of breast. Last evaluated: 2026-06-23. Review status: criteria provided, single submitter. Criteria: ACMG Guidelines, 2015. Collection method: clinical testing. Allele origin: germline.
Comment: The following ACMG criteria has been used: PM2_SUP (not reported in gnomAD v.4.1); PVS1; PM5_PTC_Strong

Center for Genomic Medicine, Rigshospitalet, Copenhagen University Hospital
Classification: Pathogenic. Last evaluated: 2025-12-29. Review status: criteria provided, single submitter. Criteria: ACMG Guidelines, 2015. Collection method: clinical testing. Allele origin: germline.
Comment: Classification criteria: PVS1, PM5_Strong, PM2_Supporting